The following is an entry in ClinVar:

NM_024529.5(CDC73):c.1100C>G (p.Ala367Gly)

Gene: CDC73 (cell division cycle 73; plus strand). Cytogenetic location: 1q31.2.
Variant type: single nucleotide variant.
Coding change: c.1100C>G on transcript NM_024529.5 (MANE Select); coding-DNA position 1100, C replaced by G.
Protein change: p.Ala367Gly; replaces alanine 367 with glycine.
Molecular consequence: missense variant.
Genome position (GRCh38, 1-based): chr1:193,212,423, C>G. VCF-style: chr1-193212423-C-G. GRCh37 (hg19) VCF-style: chr1-193181553-C-G.
Other names: short protein forms A367G.
Identifiers: ClinVar variation 2893201 (VCV002893201.3), dbSNP rs113200235, ClinGen allele CA344077577.

ClinVar aggregate classification (germline): Uncertain significance (1 of 4 stars; one submission).

Conditions:
Parathyroid carcinoma (PRTC). Also called: CDC73-Related Parathyroid Carcinoma; Parathyroid gland carcinoma. Identifiers: Orphanet 143, MedGen C0687150, MONDO:0012004, OMIM 608266, HP:0006780.

Submission:

Labcorp Genetics (formerly Invitae), Labcorp
Classification: Uncertain significance for Parathyroid carcinoma. Last evaluated: 2022-11-23. Review status: criteria provided, single submitter. Criteria: Invitae Variant Classification Sherloc (09022015). Collection method: clinical testing. Allele origin: germline.
Comment: In summary, the available evidence is currently insufficient to determine the role of this variant in disease. Therefore, it has been classified as a Variant of Uncertain Significance. Advanced modeling of protein sequence and biophysical properties (such as structural, functional, and spatial information, amino acid conservation, physicochemical variation, residue mobility, and thermodynamic stability) performed at Invitae indicates that this missense variant is not expected to disrupt CDC73 protein function. This variant has not been reported in the literature in individuals affected with CDC73-related conditions. This variant is not present in population databases (gnomAD no frequency). This sequence change replaces alanine, which is neutral and non-polar, with glycine, which is neutral and non-polar, at codon 367 of the CDC73 protein (p.Ala367Gly).